The following is an entry in ClinVar:

ClinVar aggregate classification (germline): Benign/Likely benign. Review status: criteria provided, multiple submitters, no conflicts (2 of 4 stars). 5 submissions from 5 submitters: Benign (2); Likely benign (3). Last evaluated 2023-07-25.

Conditions:
Autosomal recessive nonsyndromic hearing loss 1B. Also called: DEAFNESS, AUTOSOMAL RECESSIVE 1B. Identifiers: Orphanet 90636, MedGen C2675235, MONDO:0012977, OMIM 612645.
Autosomal dominant nonsyndromic hearing loss 3B. Identifiers: Orphanet 90635, MedGen C2675237, MONDO:0012975, OMIM 612643.
Autosomal recessive nonsyndromic hearing loss 1A (DFNB1A). Also called: Deafness, autosomal recessive 1A; Connexin 26 deafness; Deafness nonsyndromic, Connexin 26 linked; GJB6-Related DFNB 1 Nonsyndromic Hearing Loss and Deafness; Nonsyndromic Hearing Loss and Deafness, DFNB1; GJB2-Related Autosomal Recessive Nonsyndromic Hearing Loss. Identifiers: Orphanet 90636, MedGen C2673759, MONDO:0009076, OMIM 220290.
Hidrotic ectodermal dysplasia syndrome (GJB6). Also called: Ectodermal dysplasia 2, hidrotic; Autosomal dominant hidrotic ectodermal dysplasia; Clouston syndrome; Clouston's hidrotic ectodermal dysplasia; ECTODERMAL DYSPLASIA 2, CLOUSTON TYPE; CLOUSTON HIDROTIC ECTODERMAL DYSPLASIA. Identifiers: Orphanet 189, MedGen C0162361, MONDO:0007510, OMIM 129500.
X-linked mixed hearing loss with perilymphatic gusher. Also called: NANCE DEAFNESS; PERILYMPHATIC GUSHER-DEAFNESS SYNDROME; SENSORINEURAL DEAFNESS, PROFOUND, WITH OR WITHOUT A CONDUCTIVE COMPONENT, ASSOCIATED WITH A UNIQUE DEVELOPMENTAL ABNORMALITY OF THE EAR; Deafness, X-linked 2; Gusher syndrome. Identifiers: Orphanet 383, MedGen C1844678, MONDO:0010576, OMIM 304400.

Allele frequency attached by ClinVar (database versions not stated): gnomAD exomes 0.00003 and 0.00018; TOPMed 0.00003; gnomAD 0.00004 and 0.00005; ExAC 0.00016; 1000 Genomes Project 0.00060; 1000 Genomes Project 30x 0.00078.
gnomAD v4.1: 46 of 1,613,962 alleles (0.0029%); highest among the groups gnomAD compares: East Asian, 0.098%; no homozygotes.

Submissions (5):

Blueprint Genetics
Classification: Likely benign. Last evaluated: 2023-07-25. Review status: criteria provided, single submitter. Criteria: ACMG Guidelines, 2015. Collection method: clinical testing. Allele origin: germline.

Labcorp Genetics (formerly Invitae), Labcorp
Classification: Benign for Autosomal dominant nonsyndromic hearing loss 3B; Hidrotic ectodermal dysplasia syndrome; Autosomal recessive nonsyndromic hearing loss 1B; Autosomal recessive nonsyndromic hearing loss 1A. Last evaluated: 2023-06-25. Review status: criteria provided, single submitter. Criteria: Invitae Variant Classification Sherloc (09022015). Collection method: clinical testing. Allele origin: germline.

Fulgent Genetics
Classification: Likely benign for Hidrotic ectodermal dysplasia syndrome; Autosomal recessive nonsyndromic hearing loss 1A; X-linked mixed hearing loss with perilymphatic gusher; Autosomal dominant nonsyndromic hearing loss 3B; Autosomal recessive nonsyndromic hearing loss 1B. Last evaluated: 2022-02-25. Review status: criteria provided, single submitter. Criteria: ACMG Guidelines, 2015. Collection method: clinical testing. Allele origin: unknown.

GeneDx
Classification: Likely benign. Last evaluated: 2018-11-14. Review status: criteria provided, single submitter. Criteria: GeneDx Variant Classification Process June 2021. Collection method: clinical testing. Allele origin: germline. Affected: yes.
Comment: This variant is associated with the following publications: (PMID: 21731760, 11385713)

Illumina Laboratory Services, Illumina
Classification: Benign for Hidrotic ectodermal dysplasia syndrome. Last evaluated: 2017-04-27. Review status: criteria provided, single submitter. Criteria: ICSL Variant Classification Criteria 13 December 2019. Collection method: clinical testing. Allele origin: germline.
Comment: This variant was observed as part of a predisposition screen in an ostensibly healthy population. A literature search was performed for the gene, cDNA change, and amino acid change (where applicable). No publications were found based on this search. Allele frequency data from public databases was too high to be consistent with this variant causing disease. Therefore, this variant is classified as benign.

NM_001110219.3(GJB6):c.396G>A (p.Leu132=)

Gene: GJB6 (gap junction protein beta 6; minus strand). Cytogenetic location: 13q12.11.
Variant type: single nucleotide variant.
Coding change: c.396G>A on transcript NM_001110219.3 (MANE Select); coding-DNA position 396, G replaced by A.
Protein change: p.Leu132=; no amino-acid change (leucine 132 retained).
Molecular consequence: synonymous variant.
Genome position (GRCh38, 1-based): chr13:20,223,085, C>T on the plus strand (G>A on the coding strand, the complement: GJB6 is on the minus strand). VCF-style: chr13-20223085-C-T. GRCh37 (hg19) VCF-style: chr13-20797224-C-T.
Other names: c.396G>A, p.Leu132= (NM_001110220.3, NM_001110221.3, NM_001370090.1 and 3 more transcripts).
Identifiers: ClinVar variation 881195 (VCV000881195.12), dbSNP rs189971962, ClinGen allele CA6904447.
Genomic context (GRCh38, chr13:20,223,085, plus strand): 5'-ATACATAAAGGCTGCTTCAAAGATGATTCGGAAAAAGATGCTGCTGGTGTACGTCCACCA[C>T]AGCGACCCCTCTATCCGAACCTTCTGCTTTTTAATGTCCTCTATGTCTTTGAAATCATTC-3'
Protein context (NP_001103689.1, residues 122-142): KKQKVRIEGS[Leu132=]WWTYTSSIFF